The following is an entry in ClinVar:

NM_014003.4(DHX38):c.1529A>G (p.Lys510Arg)

Gene: DHX38 (DEAH-box helicase 38; plus strand). Cytogenetic location: 16q22.2.
Variant type: single nucleotide variant.
Coding change: c.1529A>G on transcript NM_014003.4 (MANE Select); coding-DNA position 1529, A replaced by G.
Protein change: p.Lys510Arg; replaces lysine 510 with arginine.
Molecular consequence: missense variant.
Genome position (GRCh38, 1-based): chr16:72,103,103, A>G. VCF-style: chr16-72103103-A-G. GRCh37 (hg19) VCF-style: chr16-72137002-A-G.
Other names: short protein forms K510R.
Identifiers: ClinVar variation 1943466 (VCV001943466.5), dbSNP rs2507101646, ClinGen allele CA396707354.

ClinVar aggregate classification (germline): Uncertain significance (1 of 4 stars; one submission).

Allele frequency attached by ClinVar (database versions not stated): gnomAD exomes below 0.00001.
gnomAD v4.1: 1 of 1,614,236 alleles (0.000062%); highest among the groups gnomAD compares: Non-Finnish European, 0.000085%; no homozygotes.

Submission:

Labcorp Genetics (formerly Invitae), Labcorp
Classification: Uncertain significance. Last evaluated: 2022-08-13. Review status: criteria provided, single submitter. Criteria: Invitae Variant Classification Sherloc (09022015). Collection method: clinical testing. Allele origin: germline.
Comment: In summary, the available evidence is currently insufficient to determine the role of this variant in disease. Therefore, it has been classified as a Variant of Uncertain Significance. Algorithms developed to predict the effect of missense changes on protein structure and function (SIFT, PolyPhen-2, Align-GVGD) all suggest that this variant is likely to be tolerated. This variant has not been reported in the literature in individuals affected with DHX38-related conditions. This variant is not present in population databases (gnomAD no frequency). This sequence change replaces lysine, which is basic and polar, with arginine, which is basic and polar, at codon 510 of the DHX38 protein (p.Lys510Arg).